The following is an entry in ClinVar:

NM_002900.3(RBP3):c.596T>C (p.Ile199Thr)

Gene: RBP3 (retinol binding protein 3; plus strand). Cytogenetic location: 10q11.22.
Variant type: single nucleotide variant.
Coding change: c.596T>C on transcript NM_002900.3 (MANE Select); coding-DNA position 596, T replaced by C.
Protein change: p.Ile199Thr; replaces isoleucine 199 with threonine.
Molecular consequence: missense variant.
Genome position (GRCh38, 1-based): chr10:47,349,080, T>C. VCF-style: chr10-47349080-T-C. GRCh37 (hg19) VCF-style: chr10-48390282-A-G.
Other names: short protein forms I199T.
Identifiers: ClinVar variation 2070811 (VCV002070811.5), dbSNP rs782491559, ClinGen allele CA5487752.

ClinVar aggregate classification (germline): Uncertain significance. Review status: criteria provided, multiple submitters, no conflicts (2 of 4 stars). 2 submissions from 2 submitters: Uncertain significance (2). Last evaluated 2023-10-01.

Conditions:
Retinal dystrophy. Also called: Inherited retinal dystrophy. Identifiers: Orphanet 71862, MedGen C0854723, MeSH D058499, MONDO:0019118, HP:0000556.

Allele frequency attached by ClinVar (database versions not stated): gnomAD exomes below 0.00001; ExAC 0.00001; TOPMed 0.00001.
gnomAD v4.1: 1 of 1,613,990 alleles (0.000062%); highest among the groups gnomAD compares: South Asian, 0.0011%; no homozygotes.

Submissions (2):

Dept Of Ophthalmology, Nagoya University
Classification: Uncertain significance for Retinal dystrophy. Last evaluated: 2023-10-01. Review status: criteria provided, single submitter. Criteria: Submitter's publication. Collection method: research. Allele origin: germline. Affected: yes.

Labcorp Genetics (formerly Invitae), Labcorp
Classification: Uncertain significance. Last evaluated: 2022-02-22. Review status: criteria provided, single submitter. Criteria: Invitae Variant Classification Sherloc (09022015). Collection method: clinical testing. Allele origin: germline.
Comment: In summary, the available evidence is currently insufficient to determine the role of this variant in disease. Therefore, it has been classified as a Variant of Uncertain Significance. Algorithms developed to predict the effect of missense changes on protein structure and function (SIFT, PolyPhen-2, Align-GVGD) all suggest that this variant is likely to be disruptive. This variant has not been reported in the literature in individuals affected with RBP3-related conditions. This variant is present in population databases (rs782491559, gnomAD 0.002%). This sequence change replaces isoleucine, which is neutral and non-polar, with threonine, which is neutral and polar, at codon 199 of the RBP3 protein (p.Ile199Thr).